The following is an entry in ClinVar:

NM_001042492.3(NF1):c.3974+111T>C

Gene: NF1 (neurofibromin 1; plus strand). Cytogenetic location: 17q11.2.
Variant type: single nucleotide variant.
Coding change: c.3974+111T>C on transcript NM_001042492.3 (MANE Select); 111 bases into the intron after coding-DNA position 3974, T replaced by C.
Molecular consequence: intron variant.
Genome position (GRCh38, 1-based): chr17:31,236,132, T>C. VCF-style: chr17-31236132-T-C. GRCh37 (hg19) VCF-style: chr17-29563150-T-C.
Other names: c.3974+111T>C (NM_000267.4).
Identifiers: ClinVar variation 4845573 (VCV004845573.1).

ClinVar aggregate classification (germline): Uncertain significance (1 of 4 stars; one submission).

gnomAD v4.1: 2 of 755,062 alleles (0.00026%); highest among the groups gnomAD compares: East Asian, 0.0053%; no homozygotes.

Submission:

Greenwood Genetic Center Diagnostic Laboratories, Greenwood Genetic Center
Classification: Uncertain significance. Last evaluated: 2025-10-01. Review status: criteria provided, single submitter. Criteria: ACMG Guidelines, 2015. Collection method: clinical testing. Allele origin: germline. Affected: yes.
Comment: BP4